The following is an entry in ClinVar:

NM_001368397.1(FRMPD4):c.4155G>C (p.Pro1385=)

Gene: FRMPD4 (FERM and PDZ domain containing 4; plus strand). Cytogenetic location: Xp22.2.
Variant type: single nucleotide variant.
Coding change: c.4155G>C on transcript NM_001368397.1 (MANE Select); coding-DNA position 4155, G replaced by C.
Protein change: p.Pro1385=; no amino-acid change (proline 1385 retained).
Molecular consequence: synonymous variant. On other transcripts: 3 prime UTR variant (6).
Genome position (GRCh38, 1-based): chrX:12,720,724, G>C. VCF-style: chrX-12720724-G-C. GRCh37 (hg19) VCF-style: chrX-12738843-G-C.
Other names: c.4266G>C, p.Pro1422= (NM_001368395.3); c.4161G>C, p.Pro1387= (NM_001368396.3); c.*191G>C (NM_001368398.3, NM_001368399.3, NM_001368400.3 and 3 more transcripts).
Identifiers: ClinVar variation 5039493 (VCV005039493.1).

ClinVar aggregate classification (germline): Likely benign (1 of 4 stars; one submission).

gnomAD v4.1: 81 of 1,064,872 alleles (0.0076%); highest among the groups gnomAD compares: South Asian, 0.18%; no homozygotes.

Submission:

CeGaT Center for Human Genetics Tuebingen
Classification: Likely benign. Last evaluated: 2026-07-01. Review status: criteria provided, single submitter. Criteria: CeGaT Center For Human Genetics Tuebingen Variant Classification Criteria Version 2. Collection method: clinical testing. Allele origin: germline. Affected: yes. Observed: 1 variant allele.
Comment: FRMPD4: BP4, BP7, BS2